The following is an entry in ClinVar:

NM_014283.5(SUCO):c.1762G>A (p.Ala588Thr)

Gene: SUCO (SUN domain containing ossification factor; plus strand). Cytogenetic location: 1q24.3.
Variant type: single nucleotide variant.
Coding change: c.1762G>A on transcript NM_014283.5 (MANE Select); coding-DNA position 1762, G replaced by A.
Protein change: p.Ala588Thr; replaces alanine 588 with threonine.
Molecular consequence: missense variant.
Genome position (GRCh38, 1-based): chr1:172,588,863, G>A. VCF-style: chr1-172588863-G-A. GRCh37 (hg19) VCF-style: chr1-172558003-G-A.
Other names: c.1651G>A, p.Ala551Thr (NM_001282750.2); c.73G>A, p.Ala25Thr (NM_001282751.2); c.2215G>A, p.Ala739Thr (NM_016227.4); short protein forms A588T, A25T, A551T, A739T.
Identifiers: ClinVar variation 2852839 (VCV002852839.3), dbSNP rs373930960, ClinGen allele CA1246962.
Genomic context (GRCh38, chr1:172,588,863, plus strand): 5'-ACACCAGATACTCCAAAAGAGAGTCCCATTGTACAGTTAGTTCAAGAGGAGGAAGAGGAG[G>A]CAAGTCCATCTACAGTGACCCTTCTGGGCAGCGGTGAACAGGAAGATGAATCATCACCCT-3'
Protein context (NP_055098.1, residues 578-598): VQLVQEEEEE[Ala588Thr]SPSTVTLLGS

ClinVar aggregate classification (germline): Uncertain significance (1 of 4 stars; one submission).

Allele frequency attached by ClinVar (database versions not stated): gnomAD 0.00001; TOPMed 0.00002; ExAC 0.00003; gnomAD exomes 0.00005; ESP Exome Variant Server 0.00008.
gnomAD v4.1: 74 of 1,613,028 alleles (0.0046%); highest among the groups gnomAD compares: Non-Finnish European, 0.0059%; no homozygotes.

Submission:

Labcorp Genetics (formerly Invitae), Labcorp
Classification: Uncertain significance. Last evaluated: 2024-10-17. Review status: criteria provided, single submitter. Criteria: Invitae Variant Classification Sherloc (09022015). Collection method: clinical testing. Allele origin: germline.
Comment: This sequence change replaces alanine, which is neutral and non-polar, with threonine, which is neutral and polar, at codon 588 of the SUCO protein (p.Ala588Thr). This variant is present in population databases (rs373930960, gnomAD 0.005%). This variant has not been reported in the literature in individuals affected with SUCO-related conditions. An algorithm developed to predict the effect of missense changes on protein structure and function outputs the following: PolyPhen-2: "Benign". The threonine amino acid residue is found in multiple mammalian species, which suggests that this missense change does not adversely affect protein function. In summary, the available evidence is currently insufficient to determine the role of this variant in disease. Therefore, it has been classified as a Variant of Uncertain Significance.